The following is an entry in ClinVar:

NM_014000.3(VCL):c.1177-14G>A

Gene: VCL (vinculin; plus strand). Cytogenetic location: 10q22.2.
Variant type: single nucleotide variant.
Coding change: c.1177-14G>A on transcript NM_014000.3 (MANE Select); 14 bases into the intron before coding-DNA position 1177, G replaced by A.
Molecular consequence: intron variant.
Genome position (GRCh38, 1-based): chr10:74,090,009, G>A. VCF-style: chr10-74090009-G-A. GRCh37 (hg19) VCF-style: chr10-75849767-G-A.
Other names: c.1177-14G>A (NM_003373.4).
Identifiers: ClinVar variation 381302 (VCV000381302.19), dbSNP rs778137720, ClinGen allele CA5562946.

ClinVar aggregate classification (germline): Conflicting classifications of pathogenicity. Review status: criteria provided, conflicting classifications (1 of 4 stars). 8 submissions from 8 submitters: Uncertain significance (1); Likely benign (3). 4 of the submissions do not count toward it. Last evaluated 2025-12-08.

Conditions:
Dilated cardiomyopathy 1W (CMD1W). Identifiers: Orphanet 154, MedGen C1969639, MONDO:0012667, OMIM 611407.

Allele frequency attached by ClinVar (database versions not stated): ExAC 0.00002; gnomAD exomes 0.00002 and 0.00004; gnomAD 0.00003 and 0.00004; TOPMed 0.00005.
gnomAD v4.1: 56 of 1,614,004 alleles (0.0035%); highest among the groups gnomAD compares: Non-Finnish European, 0.0042%; no homozygotes.

Submissions (8):

Labcorp Genetics (formerly Invitae), Labcorp
Classification: Likely benign for Dilated cardiomyopathy 1W. Last evaluated: 2025-12-08. Review status: criteria provided, single submitter. Criteria: Invitae Variant Classification Sherloc (09022015). Collection method: clinical testing. Allele origin: germline.

Blueprint Genetics
Classification: Likely benign. Last evaluated: 2024-02-20. Review status: criteria provided, single submitter. Criteria: ACMG Guidelines, 2015. Collection method: clinical testing. Allele origin: germline.

Illumina Laboratory Services, Illumina
Classification: Uncertain significance for Dilated cardiomyopathy 1W. Last evaluated: 2018-01-12. Review status: criteria provided, single submitter. Criteria: ICSL Variant Classification Criteria 13 December 2019. Collection method: clinical testing. Allele origin: germline.

GeneDx
Classification: Likely benign. Last evaluated: 2015-11-09. Review status: criteria provided, single submitter. Criteria: GeneDx Variant Classification (06012015). Collection method: clinical testing. Allele origin: germline. Affected: yes.
Comment: This variant is considered likely benign or benign based on one or more of the following criteria: it is a conservative change, it occurs at a poorly conserved position in the protein, it is predicted to be benign by multiple in silico algorithms, and/or has population frequency not consistent with disease.

Clinical Genetics DNA and cytogenetics Diagnostics Lab, Erasmus MC, Erasmus Medical Center
Classification: Likely benign. Review status: no assertion criteria provided. Collection method: clinical testing. Allele origin: germline. Affected: yes. Study: VKGL Data-share Consensus. Not counted in ClinVar's aggregate classification.

Clinical Genetics, Academic Medical Center
Classification: Benign. Review status: no assertion criteria provided. Collection method: clinical testing. Allele origin: germline. Affected: yes. Study: VKGL Data-share Consensus. Not counted in ClinVar's aggregate classification.

Diagnostic Laboratory, Department of Genetics, University Medical Center Groningen
Classification: Likely benign. Review status: no assertion criteria provided. Collection method: clinical testing. Allele origin: germline. Affected: yes. Study: VKGL Data-share Consensus. Not counted in ClinVar's aggregate classification.

Genome Diagnostics Laboratory, University Medical Center Utrecht
Classification: Likely benign. Review status: no assertion criteria provided. Collection method: clinical testing. Allele origin: germline. Affected: yes. Study: VKGL Data-share Consensus. Not counted in ClinVar's aggregate classification.